The following is an entry in ClinVar:

NM_001348800.3(ZBTB20):c.1201G>A (p.Asp401Asn)

Gene: ZBTB20 (zinc finger and BTB domain containing 20; minus strand). Cytogenetic location: 3q13.31.
Variant type: single nucleotide variant.
Coding change: c.1201G>A on transcript NM_001348800.3 (MANE Select); coding-DNA position 1201, G replaced by A.
Protein change: p.Asp401Asn; replaces aspartic acid 401 with asparagine.
Molecular consequence: missense variant.
Genome position (GRCh38, 1-based): chr3:114,350,877, C>T on the plus strand (G>A on the coding strand, the complement: ZBTB20 is on the minus strand). VCF-style: chr3-114350877-C-T. GRCh37 (hg19) VCF-style: chr3-114069724-C-T.
Other names: c.1201G>A, p.Asp401Asn (NM_001164342.2, NM_001348803.3, NM_001393393.1 and 1 more transcripts); c.982G>A, p.Asp328Asn (NM_001164343.2, NM_001164344.4, NM_001164345.4 and 9 more transcripts); short protein forms D328N, D401N.
Identifiers: ClinVar variation 4882106 (VCV004882106.2).
Genomic context (GRCh38, chr3:114,350,877, plus strand): 5'-GACCACCCTCAGCGGGGGCTTCTGCAGCCTGCTCGGGTTGGGTGGGTTCAGCCTGGCTGT[C>T]CCGCGCCGCCCCAGGCCCAAACTGCTGCTCCACCGAGTCAGGCTCGGTGCCTATGGAGGA-3'
Protein context (NP_001335729.1, residues 391-411): EQQFGPGAAR[Asp401Asn]SQAEPTQPEQ

ClinVar aggregate classification (germline): Uncertain significance (1 of 4 stars; one submission).

Submission:

Dasa
Classification: Uncertain significance. Last evaluated: 2024-10-22. Review status: criteria provided, single submitter. Criteria: DASA Assertion Criteria. Collection method: clinical testing. Allele origin: germline.
Comment: NM_001348800.3(ZBTB20):c.1201G>A (p.Asp401Asn) is a missense variant that results in the substitution of aspartic acid with asparagine. This variant is absent from population databases. Computational prediction algorithms are consistent with a benign effect. The currently available literature and clinical evidence are not sufficient to establish a definitive association between this variant and the reported condition. Therefore, this variant is classified as a variant of uncertain significance.